The following is an entry in ClinVar:

NM_001190787.3(MCIDAS):c.277G>C (p.Ala93Pro)

Gene: MCIDAS (multiciliate differentiation and DNA synthesis associated cell cycle protein; minus strand). Cytogenetic location: 5q11.2.
Variant type: single nucleotide variant.
Coding change: c.277G>C on transcript NM_001190787.3 (MANE Select); coding-DNA position 277, G replaced by C.
Protein change: p.Ala93Pro; replaces alanine 93 with proline.
Molecular consequence: missense variant.
Genome position (GRCh38, 1-based): chr5:55,226,608, C>G on the plus strand (G>C on the coding strand, the complement: MCIDAS is on the minus strand). VCF-style: chr5-55226608-C-G. GRCh37 (hg19) VCF-style: chr5-54522436-C-G.
Other names: short protein forms A93P.
Identifiers: ClinVar variation 454528 (VCV000454528.10), dbSNP rs115971569, ClinGen allele CA118983347.
Genomic context (GRCh38, chr5:55,226,608, plus strand): 5'-CACGAGGCTCCACGAGAAGGGGAGGTACCTGCGAGGCGGCCAGGTCACCACCAGGCGGCG[C>G]GTCGGACCCGAGTAGCGAAGAGCAGTCAGCGAGGTCCTGCAGGTCTATGGTGGTGAGGGC-3'
Protein context (NP_001177716.1, residues 83-103): ADCSSLLGSD[Ala93Pro]PPGGDLAASQ

ClinVar aggregate classification (germline): Uncertain significance. Review status: criteria provided, multiple submitters, no conflicts (2 of 4 stars). 2 submissions from 2 submitters: Uncertain significance (2). Last evaluated 2017-01-05.

Conditions:
Primary ciliary dyskinesia. Also called: Ciliary dyskinesia. Identifiers: Orphanet 244, MedGen C0008780, MONDO:0016575, HP:0012265.

Allele frequency attached by ClinVar (database versions not stated): gnomAD 0.00001; gnomAD exomes 0.00001; TOPMed 0.00001; 1000 Genomes Project 30x 0.00031.
gnomAD v4.1: 47 of 1,532,396 alleles (0.0031%); highest among the groups gnomAD compares: Non-Finnish European, 0.004%; no homozygotes.

Submissions (2):

Labcorp Genetics (formerly Invitae), Labcorp
Classification: Uncertain significance for Primary ciliary dyskinesia. Last evaluated: 2017-01-05. Review status: criteria provided, single submitter. Criteria: Invitae Variant Classification Sherloc (09022015). Collection method: clinical testing. Allele origin: germline.
Comment: In summary, this variant is a novel missense change that is not predicted to affect protein function. There is no indication that it causes disease, but the available evidence is currently insufficient to prove that conclusively. Therefore, it has been classified as a Variant of Uncertain Significance. Algorithms developed to predict the effect of missense changes on protein structure and function output the following: (SIFT: "Tolerated"; PolyPhen-2: "Benign"; Align-GVGD: "Class C0"). The proline amino acid residue is found in multiple mammalian species, suggesting that this missense change does not adversely affect protein function. These predictions have not been confirmed by published functional studies. While this variant is not present in population databases (rs115971569), the frequency information is unreliable, as metrics indicate poor data quality at this position in the ExAC database. This variant has not been reported in the literature in individuals with a MCIDAS-related disease. This sequence change replaces alanine with proline at codon 93 of the MCIDAS protein (p.Ala93Pro). The alanine residue is highly conserved and there is a small physicochemical difference between alanine and proline.

Breakthrough Genomics
Classification: Uncertain significance. Review status: criteria provided, single submitter. Criteria: ACMG Guidelines, 2015. Collection method: not provided. Allele origin: germline. Inheritance: Autosomal recessive inheritance. Affected: yes.